The following is an entry in ClinVar:

NM_016366.3(CABP2):c.400G>A (p.Glu134Lys)

Gene: CABP2 (calcium binding protein 2; minus strand). Cytogenetic location: 11q13.2.
Variant type: single nucleotide variant.
Coding change: c.400G>A on transcript NM_016366.3 (MANE Select); coding-DNA position 400, G replaced by A.
Protein change: p.Glu134Lys; replaces glutamic acid 134 with lysine.
Molecular consequence: missense variant.
Genome position (GRCh38, 1-based): chr11:67,520,140, C>T on the plus strand (G>A on the coding strand, the complement: CABP2 is on the minus strand). VCF-style: chr11-67520140-C-T. GRCh37 (hg19) VCF-style: chr11-67287611-C-T.
Other names: c.418G>A, p.Glu140Lys (NM_001318496.2); short protein forms E134K, E140K.
Identifiers: ClinVar variation 1906930 (VCV001906930.4), dbSNP rs369233041, ClinGen allele CA6142459.

ClinVar aggregate classification (germline): Uncertain significance. Review status: criteria provided, multiple submitters, no conflicts (2 of 4 stars). 2 submissions from 2 submitters: Uncertain significance (2). Last evaluated 2022-02-11.

Allele frequency attached by ClinVar (database versions not stated): 1000 Genomes Project 30x 0.00062.

Submissions (2):

Labcorp Genetics (formerly Invitae), Labcorp
Classification: Uncertain significance. Last evaluated: 2022-02-11. Review status: criteria provided, single submitter. Criteria: Invitae Variant Classification Sherloc (09022015). Collection method: clinical testing. Allele origin: germline.
Comment: In summary, the available evidence is currently insufficient to determine the role of this variant in disease. Therefore, it has been classified as a Variant of Uncertain Significance. Algorithms developed to predict the effect of missense changes on protein structure and function (SIFT, PolyPhen-2, Align-GVGD) all suggest that this variant is likely to be tolerated. This variant has not been reported in the literature in individuals affected with CABP2-related conditions. This variant is present in population databases (rs369233041, gnomAD 0.02%). This sequence change replaces glutamic acid, which is acidic and polar, with lysine, which is basic and polar, at codon 134 of the CABP2 protein (p.Glu134Lys).

Blueprint Genetics
Classification: Uncertain significance. Last evaluated: 2021-12-01. Review status: criteria provided, single submitter. Criteria: ACMG Guidelines, 2015. Collection method: clinical testing. Allele origin: germline.